The following is an entry in ClinVar:

ClinVar aggregate classification (germline): Uncertain significance. Review status: criteria provided, multiple submitters, no conflicts (2 of 4 stars). 2 submissions from 2 submitters: Uncertain significance (2). Last evaluated 2025-11-20.

Conditions:
Inborn genetic diseases. Identifiers: MedGen C0950123, MeSH D030342.

Allele frequency attached by ClinVar (database versions not stated): ExAC 0.00001; ESP Exome Variant Server 0.00008.
gnomAD v4.1: 9 of 1,614,106 alleles (0.00056%); highest among the groups gnomAD compares: African/African-American, 0.011%; no homozygotes.

Submissions (2):

Ambry Genetics
Classification: Uncertain significance for Inborn genetic diseases. Last evaluated: 2025-11-20. Review status: criteria provided, single submitter. Criteria: Ambry Variant Classification Scheme 2023. Collection method: clinical testing. Allele origin: germline.

Labcorp Genetics (formerly Invitae), Labcorp
Classification: Uncertain significance. Last evaluated: 2024-11-18. Review status: criteria provided, single submitter. Criteria: Invitae Variant Classification Sherloc (09022015). Collection method: clinical testing. Allele origin: germline.
Comment: This sequence change replaces proline, which is neutral and non-polar, with serine, which is neutral and polar, at codon 369 of the LEMD3 protein (p.Pro369Ser). This variant is present in population databases (rs371098833, gnomAD 0.008%). This variant has not been reported in the literature in individuals affected with LEMD3-related conditions. ClinVar contains an entry for this variant (Variation ID: 1907404). Invitae Evidence Modeling of protein sequence and biophysical properties (such as structural, functional, and spatial information, amino acid conservation, physicochemical variation, residue mobility, and thermodynamic stability) indicates that this missense variant is not expected to disrupt LEMD3 protein function with a negative predictive value of 80%. In summary, the available evidence is currently insufficient to determine the role of this variant in disease. Therefore, it has been classified as a Variant of Uncertain Significance.

NM_014319.5(LEMD3):c.1105C>T (p.Pro369Ser)

Genes: LEMD3 (LEM domain containing 3; plus strand), LOC130008225 (ATAC-STARR-seq lymphoblastoid active region 6608; plus strand). Cytogenetic location: 12q14.3.
Variant type: single nucleotide variant.
Coding change: c.1105C>T on transcript NM_014319.5 (MANE Select); coding-DNA position 1105, C replaced by T.
Protein change: p.Pro369Ser; replaces proline 369 with serine.
Molecular consequence: missense variant.
Genome position (GRCh38, 1-based): chr12:65,170,701, C>T. VCF-style: chr12-65170701-C-T. GRCh37 (hg19) VCF-style: chr12-65564481-C-T.
Other names: c.1105C>T (NM_014319.4); c.1105C>T, p.Pro369Ser (NM_001167614.2); short protein forms P369S.
Identifiers: ClinVar variation 1907404 (VCV001907404.6), dbSNP rs371098833, ClinGen allele CA6670847.
Genomic context (GRCh38, chr12:65,170,701, plus strand): 5'-GTGGACTCCAGCCCCGTTCCTAGATACCGTGTTAACGCTAAGAAACTGACCCCTCTCCTG[C>T]CCCCGCCACTTACTGACATGGACTCAACCTTGGATTCGTCAACAGGCTCCCTTCTGAAAA-3'
Protein context (NP_055134.2, residues 359-379): VNAKKLTPLL[Pro369Ser]PPLTDMDSTL